The following is an entry in ClinVar:

ClinVar aggregate classification (germline): Uncertain significance (1 of 4 stars; one submission).

Conditions:
Gorlin syndrome. Also called: Nevoid Basal Cell Carcinoma Syndrome; Basal cell nevus syndrome. Identifiers: Orphanet 377, MedGen C0004779, MONDO:0007187.

Submission:

Labcorp Genetics (formerly Invitae), Labcorp
Classification: Uncertain significance for Gorlin syndrome. Last evaluated: 2025-11-03. Review status: criteria provided, single submitter. Criteria: Invitae Variant Classification Sherloc (09022015). Collection method: clinical testing. Allele origin: germline.
Comment: This sequence change creates a premature translational stop signal (p.Glu178Alafs*2) in the PTCH2 gene. It is expected to result in an absent or disrupted protein product. However, the current clinical and genetic evidence is not sufficient to establish whether loss-of-function variants in PTCH2 cause disease. This variant is not present in population databases (gnomAD no frequency). This variant has not been reported in the literature in individuals affected with PTCH2-related conditions. ClinVar contains an entry for this variant (Variation ID: 664050). In summary, the available evidence is currently insufficient to determine the role of this variant in disease. Therefore, it has been classified as a Variant of Uncertain Significance.

NM_003738.5(PTCH2):c.533_548del (p.Glu178fs)

Gene: PTCH2 (patched 2; minus strand). Cytogenetic location: 1p34.1.
Variant type: Deletion.
Coding change: c.533_548del on transcript NM_003738.5 (MANE Select); coding-DNA positions 533 to 548, 16 bases deleted (AGAAGCTGTTTCCGTG).
Protein change: p.Glu178fs; shifts the reading frame from glutamic acid 178.
Molecular consequence: frameshift variant.
Genome position (GRCh38, 1-based): chr1:44,831,775-44,831,790, CACGGAAACAGCTTCT deleted on the plus strand (AGAAGCTGTTTCCGTG on the coding strand, the reverse complement: PTCH2 is on the minus strand); deleting any 16 consecutive bases within chr1:44,831,775-44,831,792 gives the same sequence; the c. name uses the placement nearest the transcript's 3' end. VCF-style (leftmost placement, unchanged base first): chr1-44831774-GCACGGAAACAGCTTCT-G. GRCh37 (hg19) VCF-style: chr1-45297446-GCACGGAAACAGCTTCT-G.
Other names: c.533_548del, p.Glu178fs (NM_001166292.2); short protein forms E178fs.
Identifiers: ClinVar variation 664050 (VCV000664050.7), dbSNP rs1573652573, ClinGen allele CA915941253.